The following is an entry in ClinVar:

ClinVar aggregate classification (germline): Uncertain significance. Review status: criteria provided, single submitter (1 of 4 stars). 2 submissions from 2 submitters: Uncertain significance (1). 1 of the submissions does not count toward it. Last evaluated 2024-08-14.

Conditions:
PKD1L1-related disorder. Also called: PKD1L1-related condition.
Inborn genetic diseases. Identifiers: MedGen C0950123, MeSH D030342.

gnomAD v4.1: 12 of 1,605,684 alleles (0.00075%); highest among the groups gnomAD compares: Middle Eastern, 0.017%; no homozygotes.

Submissions (2):

Ambry Genetics
Classification: Uncertain significance for Inborn genetic diseases. Last evaluated: 2024-08-14. Review status: criteria provided, single submitter. Criteria: Ambry Variant Classification Scheme 2023. Collection method: clinical testing. Allele origin: germline.

PreventionGenetics, part of Exact Sciences
Classification: Uncertain significance for PKD1L1-related condition. Last evaluated: 2024-07-08. Review status: no assertion criteria provided. Collection method: clinical testing. Allele origin: germline. Not counted in ClinVar's aggregate classification.
Comment: The PKD1L1 c.8221C>A variant is predicted to result in the amino acid substitution p.Gln2741Lys. To our knowledge, this variant has not been reported in the literature. This variant is reported in 0.0065% of alleles in individuals of European (Non-Finnish) descent in gnomAD. At this time, the clinical significance of this variant is uncertain due to the absence of conclusive functional and genetic evidence.

NM_138295.5(PKD1L1):c.8221C>A (p.Gln2741Lys)

Genes: PKD1L1 (polycystin 1 like 1, transient receptor potential channel interacting; minus strand), PKD1L1-AS1 (PKD1L1 antisense RNA 1; plus strand). Cytogenetic location: 7p12.3.
Variant type: single nucleotide variant.
Coding change: c.8221C>A on transcript NM_138295.5 (MANE Select); coding-DNA position 8221, C replaced by A.
Protein change: p.Gln2741Lys; replaces glutamine 2741 with lysine.
Molecular consequence: missense variant.
Genome position (GRCh38, 1-based): chr7:47,796,123, G>T on the plus strand (C>A on the coding strand, the complement: PKD1L1 is on the minus strand). VCF-style: chr7-47796123-G-T. GRCh37 (hg19) VCF-style: chr7-47835721-G-T.
Other names: short protein forms Q2741K.
Identifiers: ClinVar variation 3352612 (VCV003352612.2).